The following is an entry in ClinVar:

NM_001772.4(CD33):c.141_142insAACATA (p.Ile47_Pro48insAsnIle)

Gene: CD33 (CD33 molecule; plus strand). Cytogenetic location: 19q13.41.
Variant type: Insertion.
Coding change: c.141_142insAACATA on transcript NM_001772.4 (MANE Select); coding-DNA positions 141 to 142, AACATA inserted.
Protein change: p.Ile47_Pro48insAsnIle.
Molecular consequence: inframe insertion. On other transcripts: intron variant (1).
Genome position: GRCh38 VCF-style: chr19-51225317-C-CCATAAA. GRCh37 (hg19) VCF-style: chr19-51728573-C-CCATAAA.
Other names: c.141_142insAACATA, p.Ile47_Pro48insAsnIle (NM_001177608.2); c.37+166_37+167insAACATA (NM_001082618.2).
Identifiers: ClinVar variation 3358764 (VCV003358764.1).

ClinVar aggregate classification (germline): Uncertain significance (0 of 4 stars; one submission).

Conditions:
CD33-related disorder. Also called: CD33-related condition.

Submission:

PreventionGenetics, part of Exact Sciences
Classification: Uncertain significance for CD33-related condition. Last evaluated: 2024-07-15. Review status: no assertion criteria provided. Collection method: clinical testing. Allele origin: germline.
Comment: The CD33 c.141_142insAACATA variant is predicted to result in an in-frame amino acid insertion (p.Ile47_Pro48insAsnIle). To our knowledge, this variant has not been reported in the literature. This variant is reported in 0.014% of alleles in individuals of Latino descent in gnomAD. At this time, the clinical significance of this variant is uncertain due to the absence of conclusive functional and genetic evidence.